The following is an entry in ClinVar:

NM_138694.4(PKHD1):c.9400A>G (p.Lys3134Glu)

Gene: PKHD1 (PKHD1 ciliary IPT domain containing fibrocystin/polyductin; minus strand). Cytogenetic location: 6p12.3.
Variant type: single nucleotide variant.
Coding change: c.9400A>G on transcript NM_138694.4 (MANE Select); coding-DNA position 9400, A replaced by G.
Protein change: p.Lys3134Glu; replaces lysine 3134 with glutamic acid.
Molecular consequence: missense variant.
Genome position (GRCh38, 1-based): chr6:51,748,216, T>C on the plus strand (A>G on the coding strand, the complement: PKHD1 is on the minus strand). VCF-style: chr6-51748216-T-C. GRCh37 (hg19) VCF-style: chr6-51613014-T-C.
Other names: c.9400A>G, p.Lys3134Glu (NM_170724.3); short protein forms K3134E.
Identifiers: ClinVar variation 1064405 (VCV001064405.9), dbSNP rs2150984204, ClinGen allele CA364421153.

ClinVar aggregate classification (germline): Uncertain significance (1 of 4 stars; one submission).

Conditions:
Autosomal recessive polycystic kidney disease (ARPKD). Also called: AR polycystic kidney disease. Identifiers: Orphanet 731, Orphanet 8378, MedGen C0085548, MeSH D017044, MONDO:0009889.

Submission:

Labcorp Genetics (formerly Invitae), Labcorp
Classification: Uncertain significance for Autosomal recessive polycystic kidney disease. Last evaluated: 2022-08-16. Review status: criteria provided, single submitter. Criteria: Invitae Variant Classification Sherloc (09022015). Collection method: clinical testing. Allele origin: germline.
Comment: This variant is not present in population databases (gnomAD no frequency). In summary, the available evidence is currently insufficient to determine the role of this variant in disease. Therefore, it has been classified as a Variant of Uncertain Significance. Advanced modeling of protein sequence and biophysical properties (such as structural, functional, and spatial information, amino acid conservation, physicochemical variation, residue mobility, and thermodynamic stability) performed at Invitae indicates that this missense variant is not expected to disrupt PKHD1 protein function. ClinVar contains an entry for this variant (Variation ID: 1064405). This variant has not been reported in the literature in individuals affected with PKHD1-related conditions. This sequence change replaces lysine, which is basic and polar, with glutamic acid, which is acidic and polar, at codon 3134 of the PKHD1 protein (p.Lys3134Glu).